The following is an entry in ClinVar:

ClinVar aggregate classification (germline): Uncertain significance (1 of 4 stars; one submission).

Conditions:
Cardiovascular phenotype. Identifiers: MedGen CN230736.

Submission:

Ambry Genetics
Classification: Uncertain significance for Cardiovascular phenotype. Last evaluated: 2023-03-12. Review status: criteria provided, single submitter. Criteria: Ambry Variant Classification Scheme 2023. Collection method: clinical testing. Allele origin: germline.
Comment: The p.R1787S variant (also known as c.5359C>A), located in coding exon 38 of the LAMA4 gene, results from a C to A substitution at nucleotide position 5359. The arginine at codon 1787 is replaced by serine, an amino acid with dissimilar properties. This amino acid position is conserved. In addition, this alteration is predicted to be deleterious by in silico analysis. Since supporting evidence is limited at this time, the clinical significance of this alteration remains unclear.

NM_001105206.3(LAMA4):c.5380C>A (p.Arg1794Ser)

Gene: LAMA4 (laminin subunit alpha 4; minus strand). Cytogenetic location: 6q21.
Variant type: single nucleotide variant.
Coding change: c.5380C>A on transcript NM_001105206.3 (MANE Select); coding-DNA position 5380, C replaced by A.
Protein change: p.Arg1794Ser; replaces arginine 1794 with serine.
Molecular consequence: missense variant.
Genome position (GRCh38, 1-based): chr6:112,109,529, G>T on the plus strand (C>A on the coding strand, the complement: LAMA4 is on the minus strand). VCF-style: chr6-112109529-G-T. GRCh37 (hg19) VCF-style: chr6-112430732-G-T.
Other names: c.5359C>A, p.Arg1787Ser (NM_001105207.3, NM_002290.5); short protein forms R1787S, R1794S.
Identifiers: ClinVar variation 2447576 (VCV002447576.2), dbSNP rs781802725, ClinGen allele CA365363600.
Genomic context (GRCh38, chr6:112,109,529, plus strand): 5'-CGCCGCTGACCAGGGCTGCTTTACTGAAGCTCACTGGGTGTCCATCAATCACAAAGTGGC[G>T]TATGCAGCCTGTGAAGGGTTTGCTGGGGGCCAAGCGTGGTGTCAGTAGAGATTCTGAAAA-3'
Protein context (NP_001098676.2, residues 1784-1804): APSKPFTGCI[Arg1794Ser]HFVIDGHPVS